The following is an entry in ClinVar:

NC_000008.10:g.(?_100108530)_(100128112_?)del

Gene: VPS13B (vacuolar protein sorting 13 homolog B; plus strand). Cytogenetic location: 8q22.2.
Variant type: Deletion.
Identifiers: ClinVar variation 2426395 (VCV002426395.3).

ClinVar aggregate classification (germline): Pathogenic (1 of 4 stars; one submission).

Conditions:
Cohen syndrome (COH1). Also called: Cutis verticis gyrata, retinitis pigmentosa, and sensorineural deafness; PEPPER SYNDROME. Identifiers: Orphanet 193, MedGen C0265223, MONDO:0008999, OMIM 216550.

Submission:

Labcorp Genetics (formerly Invitae), Labcorp
Classification: Pathogenic for Cohen syndrome. Last evaluated: 2021-10-25. Review status: criteria provided, single submitter. Criteria: Invitae Variant Classification Sherloc (09022015). Collection method: clinical testing. Allele origin: germline.
Comment: This variant has not been reported in the literature in individuals affected with VPS13B-related conditions. For these reasons, this variant has been classified as Pathogenic. This variant is a gross deletion of the genomic region encompassing exon(s) 4-7 of the VPS13B gene. This deletion is out-of-frame, and is expected to create a premature termination codon and result in an absent or disrupted protein product. Loss-of-function variants in VPS13B are known to be pathogenic (PMID: 15141358, 16648375, 20461111).

Literature cited by the submitters: PubMed 15141358; PubMed 16648375; PubMed 20461111.